The following is an entry in ClinVar:

NM_033305.3(VPS13A):c.3428_3435del (p.Asn1143fs)

Gene: VPS13A (vacuolar protein sorting 13 homolog A; plus strand). Cytogenetic location: 9q21.2.
Variant type: Deletion.
Coding change: c.3428_3435del on transcript NM_033305.3 (MANE Select); coding-DNA positions 3428 to 3435, 8 bases deleted (ATGTGGTT; older notation c.3428_3435delATGTGGTT).
Protein change: p.Asn1143fs; shifts the reading frame from asparagine 1143.
Molecular consequence: frameshift variant.
Genome position (GRCh38, 1-based): chr9:77,293,429-77,293,436, ATGTGGTT deleted. VCF-style (leftmost placement, unchanged base first): chr9-77293428-AATGTGGTT-A. GRCh37 (hg19) VCF-style: chr9-79908344-AATGTGGTT-A.
Other names: c.3311_3318del, p.Asn1104fs (NM_001018037.2); c.3428_3435del, p.Asn1143fs (NM_001018038.3, NM_015186.4); short protein forms N1104fs, N1143fs.
Identifiers: ClinVar variation 3640835 (VCV003640835.2).

ClinVar aggregate classification (germline): Pathogenic (1 of 4 stars; one submission).

Submission:

Labcorp Genetics (formerly Invitae), Labcorp
Classification: Pathogenic. Last evaluated: 2024-02-14. Review status: criteria provided, single submitter. Criteria: Invitae Variant Classification Sherloc (09022015). Collection method: clinical testing. Allele origin: germline.
Comment: This sequence change creates a premature translational stop signal (p.Asn1143Argfs*5) in the VPS13A gene. It is expected to result in an absent or disrupted protein product. Loss-of-function variants in VPS13A are known to be pathogenic (PMID: 12404112, 21598378). This variant is not present in population databases (gnomAD no frequency). This variant has not been reported in the literature in individuals affected with VPS13A-related conditions. Algorithms developed to predict the effect of sequence changes on RNA splicing suggest that this variant may disrupt the consensus splice site. For these reasons, this variant has been classified as Pathogenic.

Literature cited by the submitters: PubMed 12404112; PubMed 21598378.